The following is an entry in ClinVar:

NM_001354604.2(MITF):c.823C>T (p.Leu275Phe)

Gene: MITF (melanocyte inducing transcription factor; plus strand). Cytogenetic location: 3p13.
Variant type: single nucleotide variant.
Coding change: c.823C>T on transcript NM_001354604.2 (MANE Select); coding-DNA position 823, C replaced by T.
Protein change: p.Leu275Phe; replaces leucine 275 with phenylalanine.
Molecular consequence: missense variant.
Genome position (GRCh38, 1-based): chr3:69,949,111, C>T. VCF-style: chr3-69949111-C-T. GRCh37 (hg19) VCF-style: chr3-69998262-C-T.
Other names: c.502C>T, p.Leu168Phe (NM_000248.4, NM_198158.3); c.667C>T, p.Leu223Phe (NM_001184967.2, NM_001354608.2); c.820C>T, p.Leu274Phe (NM_001354605.2, NM_001354606.2, NM_006722.3); c.772C>T, p.Leu258Phe (NM_001354607.2); c.823C>T, p.Leu275Phe (NM_198159.3); c.775C>T, p.Leu259Phe (NM_198177.3); c.334C>T, p.Leu112Phe (NM_198178.3); short protein forms L112F, L258F, L223F, L274F, L168F, L259F, L275F.
Identifiers: ClinVar variation 4055203 (VCV004055203.1).

ClinVar aggregate classification (germline): Uncertain significance (1 of 4 stars; one submission).

Conditions:
Hereditary cancer-predisposing syndrome. Also called: Neoplastic Syndromes, Hereditary; Tumor predisposition; Hereditary neoplastic syndrome; Hereditary Cancer Syndrome. Identifiers: Orphanet 140162, MedGen C0027672, MeSH D009386, MONDO:0015356.

Submission:

Ambry Genetics
Classification: Uncertain significance for Hereditary cancer-predisposing syndrome. Last evaluated: 2025-05-09. Review status: criteria provided, single submitter. Criteria: Ambry Variant Classification Scheme 2023. Collection method: clinical testing. Allele origin: germline.
Comment: The p.L168F variant (also known as c.502C>T), located in coding exon 5 of the MITF gene, results from a C to T substitution at nucleotide position 502. The leucine at codon 168 is replaced by phenylalanine, an amino acid with highly similar properties. This amino acid position is conserved. In addition, this alteration is predicted to be tolerated by in silico analysis. Based on the available evidence, the clinical significance of this variant remains unclear.